The following is an entry in ClinVar:

NM_001130144.3(LTBP3):c.2288C>T (p.Pro763Leu)

Genes: LTBP3 (latent transforming growth factor beta binding protein 3; minus strand), LOC130006029 (ATAC-STARR-seq lymphoblastoid silent region 3532; plus strand). Cytogenetic location: 11q13.1.
Variant type: single nucleotide variant.
Coding change: c.2288C>T on transcript NM_001130144.3 (MANE Select); coding-DNA position 2288, C replaced by T.
Protein change: p.Pro763Leu; replaces proline 763 with leucine.
Molecular consequence: missense variant.
Genome position (GRCh38, 1-based): chr11:65,546,507, G>A on the plus strand (C>T on the coding strand, the complement: LTBP3 is on the minus strand). VCF-style: chr11-65546507-G-A. GRCh37 (hg19) VCF-style: chr11-65313978-G-A.
Other names: c.1937C>T, p.Pro646Leu (NM_001164266.1); c.2288C>T, p.Pro763Leu (NM_021070.4); c.2288C>T (NM_001130144.2); short protein forms P646L, P763L.
Identifiers: ClinVar variation 3665840 (VCV003665840.3).

ClinVar aggregate classification (germline): Uncertain significance. Review status: criteria provided, multiple submitters, no conflicts (2 of 4 stars). 2 submissions from 2 submitters: Uncertain significance (2). Last evaluated 2025-10-29.

Conditions:
Brachyolmia-amelogenesis imperfecta syndrome. Also called: PLATYSPONDYLY WITH AMELOGENESIS IMPERFECTA; Tooth agenesis, selective, 6; Dental anomalies and short stature. Identifiers: Orphanet 2899, MedGen C1832594, MONDO:0011018, OMIM 601216. Disease mechanism: loss of function.
Inborn genetic diseases. Identifiers: MedGen C0950123, MeSH D030342.

gnomAD v4.1: 17 of 1,599,970 alleles (0.0011%); highest among the groups gnomAD compares: Non-Finnish European, 0.0014%; no homozygotes.

Submissions (2):

Ambry Genetics
Classification: Uncertain significance for Inborn genetic diseases. Last evaluated: 2025-10-29. Review status: criteria provided, single submitter. Criteria: Ambry Variant Classification Scheme 2023. Collection method: clinical testing. Allele origin: germline.

Labcorp Genetics (formerly Invitae), Labcorp
Classification: Uncertain significance for Brachyolmia-amelogenesis imperfecta syndrome. Last evaluated: 2025-08-13. Review status: criteria provided, single submitter. Criteria: Invitae Variant Classification Sherloc (09022015). Collection method: clinical testing. Allele origin: germline.
Comment: This sequence change replaces proline, which is neutral and non-polar, with leucine, which is neutral and non-polar, at codon 763 of the LTBP3 protein (p.Pro763Leu). The frequency data for this variant in the population databases is considered unreliable, as metrics indicate poor data quality at this position in the gnomAD database. This variant has not been reported in the literature in individuals affected with LTBP3-related conditions. ClinVar contains an entry for this variant (Variation ID: 3665840). An algorithm developed to predict the effect of missense changes on protein structure and function (PolyPhen-2) suggests that this variant is likely to be disruptive. In summary, the available evidence is currently insufficient to determine the role of this variant in disease. Therefore, it has been classified as a Variant of Uncertain Significance.